The following is an entry in ClinVar:

NM_001370259.2(MEN1):c.754G>T (p.Asp252Tyr)

Gene: MEN1 (menin 1; minus strand). Cytogenetic location: 11q13.1.
Variant type: single nucleotide variant.
Coding change: c.754G>T on transcript NM_001370259.2 (MANE Select); coding-DNA position 754, G replaced by T.
Protein change: p.Asp252Tyr; replaces aspartic acid 252 with tyrosine.
Molecular consequence: missense variant.
Genome position (GRCh38, 1-based): chr11:64,807,581, C>A on the plus strand (G>T on the coding strand, the complement: MEN1 is on the minus strand). VCF-style: chr11-64807581-C-A. GRCh37 (hg19) VCF-style: chr11-64575053-C-A.
Other names: c.769G>T (NM_000244.3); c.769G>T, p.Asp257Tyr (NM_000244.4, NM_130800.3, NM_130801.3 and 3 more transcripts); c.754G>T, p.Asp252Tyr (NM_001370251.2, NM_001370260.2, NM_001370261.2 and 1 more transcripts); c.649G>T, p.Asp217Tyr (NM_001370262.2, NM_001370263.2); short protein forms D252Y, D257Y, D217Y.
Identifiers: ClinVar variation 241824 (VCV000241824.13), dbSNP rs770368608, ClinGen allele CA061503.
Genomic context (GRCh38, chr11:64,807,581, plus strand): 5'-CCCAGTCCTGCCCCATTGGCTCAGCCCTCACCTGCTGCAGCTGCAGAAGCTCCAGCGAGT[C>A]GGTGTGCAGGTCAATGGAAGGGTTGATGGCACACACCATGAACGCCACCTCCATCTTGCG-3'
Protein context (NP_001357188.2, residues 242-262): AINPSIDLHT[Asp252Tyr]SLELLQLQQK

ClinVar aggregate classification (germline): Conflicting classifications of pathogenicity. Review status: criteria provided, conflicting classifications (1 of 4 stars). 3 submissions from 3 submitters: Uncertain significance (2); Likely benign (1). Last evaluated 2025-07-29.

Conditions:
Hereditary cancer-predisposing syndrome. Also called: Neoplastic Syndromes, Hereditary; Tumor predisposition; Hereditary neoplastic syndrome; Hereditary Cancer Syndrome. Identifiers: Orphanet 140162, MedGen C0027672, MeSH D009386, MONDO:0015356.
MEN1-related disorder. Also called: MEN1-related condition.
Multiple endocrine neoplasia, type 1 (MEN1). Also called: MEN I; WERMER SYNDROME; Endocrine adenomatosis multiple; MEN 1; MEA I. Identifiers: Orphanet 652, MedGen C0025267, MeSH D018761, MONDO:0007540, OMIM 131100.

Allele frequency attached by ClinVar (database versions not stated): gnomAD 0.00003; TOPMed 0.00004.
gnomAD v4.1: 9 of 1,614,050 alleles (0.00056%); highest among the groups gnomAD compares: African/African-American, 0.011%; no homozygotes.

Submissions (3):

Labcorp Genetics (formerly Invitae), Labcorp
Classification: Likely benign for Multiple endocrine neoplasia, type 1. Last evaluated: 2025-07-29. Review status: criteria provided, single submitter. Criteria: Invitae Variant Classification Sherloc (09022015). Collection method: clinical testing. Allele origin: germline.

Ambry Genetics
Classification: Uncertain significance for Hereditary cancer-predisposing syndrome. Last evaluated: 2025-04-25. Review status: criteria provided, single submitter. Criteria: Ambry Variant Classification Scheme 2023. Collection method: clinical testing. Allele origin: germline.
Comment: The p.D252Y variant (also known as c.754G>T), located in coding exon 3 of the MEN1 gene, results from a G to T substitution at nucleotide position 754. The aspartic acid at codon 252 is replaced by tyrosine, an amino acid with highly dissimilar properties. This amino acid position is highly conserved in available vertebrate species. In addition, this alteration is predicted to be deleterious by in silico analysis. Since supporting evidence is limited at this time, the clinical significance of this alteration remains unclear.

PreventionGenetics, part of Exact Sciences
Classification: Uncertain significance for MEN1-related condition. Last evaluated: 2023-02-03. Review status: criteria provided, single submitter. Criteria: ACMG Guidelines, 2015. Collection method: clinical testing. Allele origin: germline.
Comment: The MEN1 c.769G>T variant is predicted to result in the amino acid substitution p.Asp257Tyr. To our knowledge, this variant has not been reported in the literature. This variant is reported in 0.012% of alleles in individuals of African descent in gnomAD, which may be too common to be an undocumented primary cause of disease. Although we suspect that this variant may be benign, at this time, the clinical significance of this variant is uncertain due to the absence of conclusive functional and genetic evidence.